The following is an entry in ClinVar:

ClinVar aggregate classification (germline): Likely benign (1 of 4 stars; one submission).

Submission:

CeGaT Center for Human Genetics Tuebingen
Classification: Likely benign. Last evaluated: 2026-09-01. Review status: criteria provided, single submitter. Criteria: CeGaT Center For Human Genetics Tuebingen Variant Classification Criteria Version 2. Collection method: clinical testing. Allele origin: germline. Affected: yes. Observed: 9 variant alleles.
Comment: KRTAP5-3: BP4, BP7

NM_001012708.2(KRTAP5-3):c.573A>G (p.Lys191=)

Gene: KRTAP5-3 (keratin associated protein 5-3; minus strand). Cytogenetic location: 11p15.5.
Variant type: single nucleotide variant.
Coding change: c.573A>G on transcript NM_001012708.2 (MANE Select); coding-DNA position 573, A replaced by G.
Protein change: p.Lys191=; no amino-acid change (lysine 191 retained).
Molecular consequence: synonymous variant.
Genome position (GRCh38, 1-based): chr11:1,607,813, T>C on the plus strand (A>G on the coding strand, the complement: KRTAP5-3 is on the minus strand). VCF-style: chr11-1607813-T-C. GRCh37 (hg19) VCF-style: chr11-1629043-T-C.
Identifiers: ClinVar variation 2641348 (VCV002641348.24), dbSNP rs12795274, ClinGen allele CA216132839.